The following is an entry in ClinVar:

NM_004974.4(KCNA2):c.494T>A (p.Ile165Lys)

Gene: KCNA2 (potassium voltage-gated channel subfamily A member 2; minus strand). Cytogenetic location: 1p13.3.
Variant type: single nucleotide variant.
Coding change: c.494T>A on transcript NM_004974.4 (MANE Select); coding-DNA position 494, T replaced by A.
Protein change: p.Ile165Lys; replaces isoleucine 165 with lysine.
Molecular consequence: missense variant.
Genome position (GRCh38, 1-based): chr1:110,604,289, A>T on the plus strand (T>A on the coding strand, the complement: KCNA2 is on the minus strand). VCF-style: chr1-110604289-A-T. GRCh37 (hg19) VCF-style: chr1-111146911-A-T.
Other names: c.494T>A, p.Ile165Lys (NM_001204269.2); short protein forms I165K.
Identifiers: ClinVar variation 2760866 (VCV002760866.3), dbSNP rs2524621052, ClinGen allele CA341605153.
Genomic context (GRCh38, chr1:110,604,289, plus strand): 5'-AATGTTTCCAGACAGAAGCTGACAATTGAGATCAGAATCACCATGACAGACACAATAGCT[A>T]TAATCCTGGCAGGCCCTGAGCTCTCTGGGTATTCAAAGAGAAGCCACACTTGTCTCTGAA-3'
Protein context (NP_004965.1, residues 155-175): YPESSGPARI[Ile165Lys]AIVSVMVILI

ClinVar aggregate classification (germline): Pathogenic (1 of 4 stars; one submission).

Conditions:
Developmental and epileptic encephalopathy, 32 (DEE32). Also called: Epileptic encephalopathy, early infantile, 32. Identifiers: Orphanet 442835, MedGen C4225350, MONDO:0014607, OMIM 616366.

Submission:

Labcorp Genetics (formerly Invitae), Labcorp
Classification: Pathogenic for Developmental and epileptic encephalopathy, 32. Last evaluated: 2024-03-05. Review status: criteria provided, single submitter. Criteria: Invitae Variant Classification Sherloc (09022015). Collection method: clinical testing. Allele origin: germline.
Comment: This sequence change replaces isoleucine, which is neutral and non-polar, with lysine, which is basic and polar, at codon 165 of the KCNA2 protein (p.Ile165Lys). This variant is not present in population databases (gnomAD no frequency). This missense change has been observed in individual(s) with clinical features of autosomal dominant KCNA2-related conditions (Invitae). In at least one individual the variant was observed to be de novo. Advanced modeling of protein sequence and biophysical properties (such as structural, functional, and spatial information, amino acid conservation, physicochemical variation, residue mobility, and thermodynamic stability) performed at Invitae indicates that this missense variant is expected to disrupt KCNA2 protein function with a positive predictive value of 80%. For these reasons, this variant has been classified as Pathogenic.